The following is an entry in ClinVar:

ClinVar aggregate classification (germline): Uncertain significance (1 of 4 stars; one submission).

Allele frequency attached by ClinVar (database versions not stated): gnomAD 0.00001; gnomAD exomes 0.00002 and 0.00003; ExAC 0.00003.
gnomAD v4.1: 31 of 1,614,074 alleles (0.0019%); highest among the groups gnomAD compares: East Asian, 0.027%; no homozygotes.

Submission:

Labcorp Genetics (formerly Invitae), Labcorp
Classification: Uncertain significance. Last evaluated: 2022-05-12. Review status: criteria provided, single submitter. Criteria: Invitae Variant Classification Sherloc (09022015). Collection method: clinical testing. Allele origin: germline.
Comment: This sequence change replaces glutamic acid, which is acidic and polar, with lysine, which is basic and polar, at codon 524 of the CNGA3 protein (p.Glu524Lys). This variant is present in population databases (rs112736405, gnomAD 0.02%). This variant has not been reported in the literature in individuals affected with CNGA3-related conditions. Advanced modeling of protein sequence and biophysical properties (such as structural, functional, and spatial information, amino acid conservation, physicochemical variation, residue mobility, and thermodynamic stability) performed at Invitae indicates that this missense variant is expected to disrupt CNGA3 protein function. In summary, the available evidence is currently insufficient to determine the role of this variant in disease. Therefore, it has been classified as a Variant of Uncertain Significance.

NM_001298.3(CNGA3):c.1570G>A (p.Glu524Lys)

Gene: CNGA3 (cyclic nucleotide gated channel subunit alpha 3; plus strand). Cytogenetic location: 2q11.2.
Variant type: single nucleotide variant.
Coding change: c.1570G>A on transcript NM_001298.3 (MANE Select); coding-DNA position 1570, G replaced by A.
Protein change: p.Glu524Lys; replaces glutamic acid 524 with lysine.
Molecular consequence: missense variant.
Genome position (GRCh38, 1-based): chr2:98,396,740, G>A. VCF-style: chr2-98396740-G-A. GRCh37 (hg19) VCF-style: chr2-99013203-G-A.
Other names: c.1516G>A, p.Glu506Lys (NM_001079878.2); short protein forms E506K, E524K.
Identifiers: ClinVar variation 1428966 (VCV001428966.3), dbSNP rs112736405, ClinGen allele CA1794039.